The following continues an entry in ClinVar:

NM_007194.4(CHEK2):c.1175C>T (p.Ala392Val)

Gene: CHEK2. ClinVar aggregate classification (germline): Conflicting classifications of pathogenicity. Likely pathogenic (5); Uncertain significance (12).

Submissions 7 to 19 of 19:

Myriad Genetics, Inc.
Classification: Likely pathogenic for Familial cancer of breast. Last evaluated: 2025-06-23. Review status: criteria provided, single submitter. Criteria: Myriad Autosomal Dominant, Autosomal Recessive and X-Linked Classification Criteria (2023). Collection method: clinical testing. Allele origin: unknown.
Comment: This variant is considered likely pathogenic. Functional studies indicate this variant impacts protein function [PMID: 34903604, 37449874, 28743916]. This variant is expected to disrupt protein structure [Myriad internal data].

Labcorp Genetics (formerly Invitae), Labcorp
Classification: Uncertain significance for Familial cancer of breast. Last evaluated: 2025-01-29. Review status: criteria provided, single submitter. Criteria: Invitae Variant Classification Sherloc (09022015). Collection method: clinical testing. Allele origin: germline.
Comment: This sequence change replaces alanine, which is neutral and non-polar, with valine, which is neutral and non-polar, at codon 392 of the CHEK2 protein (p.Ala392Val). This variant is present in population databases (rs373073383, gnomAD 0.008%). This missense change has been observed in individual(s) with breast cancer (PMID: 19656415, 29522266, 29752822, 34011307, 34326862, 35127508). ClinVar contains an entry for this variant (Variation ID: 141136). An algorithm developed to predict the effect of missense changes on protein structure and function (PolyPhen-2) suggests that this variant is likely to be disruptive. Experimental studies have shown that this missense change affects CHEK2 function (PMID: 28743916, 30851065, 37449874). In summary, the available evidence is currently insufficient to determine the role of this variant in disease. Therefore, it has been classified as a Variant of Uncertain Significance.

Fulgent Genetics
Classification: Uncertain significance for Familial prostate cancer; Bone osteosarcoma; CHEK2-related cancer predisposition. Last evaluated: 2024-04-21. Review status: criteria provided, single submitter. Criteria: ACMG Guidelines, 2015. Collection method: clinical testing. Allele origin: germline.

German Consortium for Hereditary Breast and Ovarian Cancer, University Hospital Cologne
Classification: Likely pathogenic for Hereditary breast ovarian cancer syndrome. Last evaluated: 2024-01-09. Review status: criteria provided, single submitter. Criteria: ACMG Guidelines, 2015. Collection method: curation. Allele origin: germline.
Comment: . According to the ACMG standard criteria we chose these criteria: PS3 (strong pathogenic): Delimitsou (2019): damaging in yeast assay Stolarova (2023): damaging in CHK2 & KAP1 assay Boonen (2022): damaing in KAP1 assay , PS4 (supporting pathogenic): OR in Stolarova et al. 2.5 but not significant (p=0.07) and CI intervall including 1.0; 18 Families in GC-HBOC only 1X in gnomAD V3.1.2 non Cancer, PP3 (supporting pathogenic): REVEL: 0.825 [cutoff REVEL >0.7333]

Baylor Genetics
Classification: Uncertain significance for Familial cancer of breast. Last evaluated: 2023-12-27. Review status: criteria provided, single submitter. Criteria: ACMG Guidelines, 2015. Collection method: clinical testing. Allele origin: unknown.

Blueprint Genetics
Classification: Uncertain significance. Last evaluated: 2023-01-11. Review status: criteria provided, single submitter. Criteria: ACMG Guidelines, 2015. Collection method: clinical testing. Allele origin: germline.

CeGaT Center for Human Genetics Tuebingen
Classification: Uncertain significance. Last evaluated: 2022-07-01. Review status: criteria provided, single submitter. Criteria: CeGaT Center For Human Genetics Tuebingen Variant Classification Criteria Version 2. Collection method: clinical testing. Allele origin: germline. Affected: yes. Observed: 2 variant alleles.
Comment: CHEK2: PS3, BP1

MGZ Medical Genetics Center
Classification: Uncertain significance for Familial cancer of breast. Last evaluated: 2022-06-13. Review status: criteria provided, single submitter. Criteria: ACMG Guidelines, 2015. Collection method: clinical testing. Allele origin: germline. Affected: yes. Observed: 1 variant allele.
Comment: ACMG criteria applied: PS3_MOD, PM2_SUP, PP3

Mendelics
Classification: Uncertain significance. Last evaluated: 2022-05-04. Review status: criteria provided, single submitter. Criteria: Mendelics Assertion Criteria 2019. Collection method: clinical testing. Allele origin: germline.

Institute for Clinical Genetics, University Hospital TU Dresden, University Hospital TU Dresden
Classification: Uncertain significance. Last evaluated: 2021-11-03. Review status: criteria provided, single submitter. Criteria: ACMG Guidelines, 2015. Collection method: clinical testing. Allele origin: germline.

Institute of Human Genetics, University of Leipzig Medical Center
Classification: Uncertain significance for Familial cancer of breast. Last evaluated: 2019-04-08. Review status: criteria provided, single submitter. Criteria: ACMG Guidelines, 2015. Collection method: clinical testing. Allele origin: germline. Affected: yes. Observed: 1 variant allele.

Department of Genetics, HCU Lozano Blesa
Classification: Likely pathogenic for CHEK2-related cancer predisposition. Last evaluated: 2023-05-01. Review status: no assertion criteria provided. Collection method: clinical testing. Allele origin: germline. Affected: yes. Observed: 1 variant allele. Not counted in ClinVar's aggregate classification.
Comment: Variant summary: CHEK2 c.1175C>T results in the replacement of Ala392 by a Val residue (p.Ala392Val). The variant was identified in 1 out of 396 patients analysed (freq: 0.0025, doi: 10.3389/fgene.2023.1274108). Two second-degree relatives were also diagnosed with BC, although a co-segregation study could not be performed. Ala392 is located in the kinase domain, is part of the conserved APE motif (Ala392–Pro393–Glu394) located in the long T-loop. The substitution of Ala392 by valine introduces a bulkier residue at a spot where Ala392 appears to be in close contact with some residues at the dimerization interface, particularly with Arg474. It may affect the protein integrity and thus its function. The variant is reported in gnomAD v4 in 78 cases out of 1613584 alleles analysed (freq=4.8x10-3 %). In ClinVar more than a dozen of reports appear classifying the variant as of Uncertain significance. Other replacements found at this position (A392G, A392T, A392P, and A392E) are also classified by ClinVar as of Uncertain Significance. The metapredictor PirePred (relies on verdicts from other 15 predictor or metapredictor tools) and the AI-based predictor AlphaMissense classify Ala392Val as Pathogenic, whereas the ACMG classification tool Franklin suggests this variant as VUS (Uncertain Significance). Our in-silico study on the protein stability based on relaxation molecular dynamics simulations (doi: 10.3389/fgene.2023.1274108) indicates that Ala392Val induces conformational unstability on CHEK2 protein. Moreover, Stolarova L. et al’s functional study on KAP1 phosphorylation and CHEK2 autophosphorylation protein capability reports this variant as functionally impaired (PMID: 37449874). With all this information, we believe this variant have more chances of being Pathogenic.

Department of Pathology and Laboratory Medicine, Sinai Health System
Classification: Uncertain significance for Malignant tumor of breast. Review status: no assertion criteria provided. Collection method: clinical testing. Allele origin: unknown. Affected: yes. Study: The Canadian Open Genetics Repository (COGR). Not counted in ClinVar's aggregate classification.
Comment: The CHEK2 p.Ala392Val variant was identified in 1 of 182 proband chromosomes (frequency: 0.005) from individuals or families with early onset breast or ovarian cancer (Soumittra 2009 PMID: 19656415). The variant was also identified in dbSNP (ID: rs373073383 as With Uncertain significance allele), ClinVar (5x as a variant of uncertain significance), and Cosmic (1x). The variant was not identified in MutDB or the Zhejiang University Database. The variant was identified in control databases in 11 of 245912 chromosomes at a frequency of 0.00005 (Genome Aggregation Database Feb 27, 2017). Breakdown of the observations by population include European Non-Finnish in 9 of 111392 chromosomes (freq: 0.00008), East Asian in 1 of 17248 chromosomes (freq: 0.00006), and Finnish in 1 of 22300 chromosomes (freq: 0.00005), while the variant was not observed in the African, Other, Latino, Ashkenazi Jewish, and South Asian populations. The p.Ala392 residue is conserved across mammals and other organisms, and 4 out of 5 computational analyses (PolyPhen-2, SIFT, AlignGVGD, BLOSUM, MutationTaster) suggest that the variant may impact the protein; however, this information is not predictive enough to assume pathogenicity. The variant occurs outside of the splicing consensus sequence and 2 of 5 in silico or computational prediction software programs (SpliceSiteFinder, MaxEntScan, NNSPLICE, GeneSplicer, HumanSpliceFinder) predict a greater than 10% difference in splicing; however, this is not reliably predictive of pathogenicity. In summary, based on the above information the clinical significance of this variant cannot be determined with certainty at this time. This variant is classified as a variant of uncertain significance.

Literature cited by the submitters: PubMed 19656415 (cited by 5 submitters); PubMed 28779002 (cited by Ambry Genetics and Quest Diagnostics Nichols Institute San Juan Capistrano); PubMed 29522266 (cited by 3 submitters); PubMed 29752822 (cited by 5 submitters); PubMed 30851065 (cited by 5 submitters); PubMed 33471991 (cited by 3 submitters); PubMed 34011307 (cited by 4 submitters); PubMed 34903604 (cited by 5 submitters); PubMed 35127508 (cited by 3 submitters); PubMed 36011273 (cited by Ambry Genetics and Quest Diagnostics Nichols Institute San Juan Capistrano); PubMed 37449874 (cited by 5 submitters); PubMed 39146382 (cited by Ambry Genetics); PubMed 39642869 (cited by Ambry Genetics); PubMed 29021619 (cited by Women's Health and Genetics/Laboratory Corporation of America, LabCorp); PubMed 28743916 (cited by 4 submitters); PubMed 38476463 (cited by Quest Diagnostics Nichols Institute San Juan Capistrano and Color Diagnostics, LLC DBA Color Health); PubMed 31398194 (cited by Quest Diagnostics Nichols Institute San Juan Capistrano); PubMed 38201513 (cited by Quest Diagnostics Nichols Institute San Juan Capistrano); PubMed 34326862 (cited by Labcorp Genetics (formerly Invitae), Labcorp); DOI 10.3389/fgene.2023.1274108 (cited by Department of Genetics, HCU Lozano Blesa).